The following is an entry in ClinVar:

NM_012388.4(BLOC1S6):c.144A>T (p.Ala48=)

Gene: BLOC1S6 (biogenesis of lysosomal organelles complex 1 subunit 6; plus strand). Cytogenetic location: 15q21.1.
Variant type: single nucleotide variant.
Coding change: c.144A>T on transcript NM_012388.4 (MANE Select); coding-DNA position 144, A replaced by T.
Protein change: p.Ala48=; no amino-acid change (alanine 48 retained).
Molecular consequence: synonymous variant. On other transcripts: non-coding transcript variant (5).
Genome position (GRCh38, 1-based): chr15:45,592,196, A>T. VCF-style: chr15-45592196-A-T. GRCh37 (hg19) VCF-style: chr15-45884394-A-T.
Other names: c.159A>T, p.Ala53= (NM_001311255.1, NM_001311256.1).
Identifiers: ClinVar variation 708957 (VCV000708957.13), dbSNP rs372182517, ClinGen allele CA7544265.
Genomic context (GRCh38, chr15:45,592,196, plus strand): 5'-TTTAAGTGACACTTCTCCAGATGAAGGGTTAATAGAGGACTTGACTATAGAAGACAAAGC[A>T]GTGGAGCAACTGGCAGAAGGATTGCTTTCTCATTATTTGCCAGATCTGCAGAGATCAAAA-3'
Protein context (NP_036520.1, residues 38-58): LIEDLTIEDK[Ala48=]VEQLAEGLLS

ClinVar aggregate classification (germline): Likely benign. Review status: criteria provided, multiple submitters, no conflicts (2 of 4 stars). 4 submissions from 4 submitters: Likely benign (4). Last evaluated 2026-01-11.

Conditions:
BLOC1S6-related disorder. Also called: BLOC1S6-related condition.
Hermansky-Pudlak syndrome 9 (HPS9). Identifiers: Orphanet 280663, Orphanet 79430, MedGen C3280026, MONDO:0013606, OMIM 614171.

Allele frequency attached by ClinVar (database versions not stated): TOPMed 0.00001; ExAC 0.00001; gnomAD 0.00001.
gnomAD v4.1: 47 of 1,614,080 alleles (0.0029%); highest among the groups gnomAD compares: Middle Eastern, 0.066%; no homozygotes.

Submissions (4):

Labcorp Genetics (formerly Invitae), Labcorp
Classification: Likely benign for Hermansky-Pudlak syndrome 9. Last evaluated: 2026-01-11. Review status: criteria provided, single submitter. Criteria: Invitae Variant Classification Sherloc (09022015). Collection method: clinical testing. Allele origin: germline.

PreventionGenetics, part of Exact Sciences
Classification: Likely benign for BLOC1S6-related condition. Last evaluated: 2025-08-04. Review status: criteria provided, single submitter. Criteria: ACMG Guidelines, 2015. Collection method: clinical testing. Allele origin: germline.
Comment: This variant is classified as likely benign based on ACMG/AMP sequence variant interpretation guidelines (Richards et al. 2015 PMID: 25741868, with internal and published modifications).

Blueprint Genetics
Classification: Likely benign. Last evaluated: 2024-08-22. Review status: criteria provided, single submitter. Criteria: ACMG Guidelines, 2015. Collection method: clinical testing. Allele origin: germline.

Breakthrough Genomics
Classification: Likely benign. Review status: criteria provided, single submitter. Criteria: ACMG Guidelines, 2015. Collection method: not provided. Allele origin: germline. Inheritance: Autosomal recessive inheritance. Affected: yes.